The following is an entry in ClinVar:

NM_001690.4(ATP6V1A):c.1616G>A (p.Gly539Glu)

Gene: ATP6V1A (ATPase H+ transporting V1 subunit A; plus strand). Cytogenetic location: 3q13.31.
Variant type: single nucleotide variant.
Coding change: c.1616G>A on transcript NM_001690.4 (MANE Select); coding-DNA position 1616, G replaced by A.
Protein change: p.Gly539Glu; replaces glycine 539 with glutamic acid.
Molecular consequence: missense variant.
Genome position (GRCh38, 1-based): chr3:113,805,380, G>A. VCF-style: chr3-113805380-G-A. GRCh37 (hg19) VCF-style: chr3-113524227-G-A.
Other names: short protein forms G539E.
Identifiers: ClinVar variation 2768732 (VCV002768732.3), dbSNP rs2549727676, ClinGen allele CA353993170.

ClinVar aggregate classification (germline): Uncertain significance (1 of 4 stars; one submission).

Submission:

Labcorp Genetics (formerly Invitae), Labcorp
Classification: Uncertain significance. Last evaluated: 2023-10-15. Review status: criteria provided, single submitter. Criteria: Invitae Variant Classification Sherloc (09022015). Collection method: clinical testing. Allele origin: germline.
Comment: This sequence change replaces glycine, which is neutral and non-polar, with glutamic acid, which is acidic and polar, at codon 539 of the ATP6V1A protein (p.Gly539Glu). This variant is not present in population databases (gnomAD no frequency). This variant has not been reported in the literature in individuals affected with ATP6V1A-related conditions. Advanced modeling of protein sequence and biophysical properties (such as structural, functional, and spatial information, amino acid conservation, physicochemical variation, residue mobility, and thermodynamic stability) performed at Invitae indicates that this missense variant is not expected to disrupt ATP6V1A protein function. In summary, the available evidence is currently insufficient to determine the role of this variant in disease. Therefore, it has been classified as a Variant of Uncertain Significance.